The following is an entry in ClinVar:

NM_182914.3(SYNE2):c.11446T>C (p.Ser3816Pro)

Gene: SYNE2 (spectrin repeat containing nuclear envelope protein 2; plus strand). Cytogenetic location: 14q23.2.
Variant type: single nucleotide variant.
Coding change: c.11446T>C on transcript NM_182914.3 (MANE Select); coding-DNA position 11446, T replaced by C.
Protein change: p.Ser3816Pro; replaces serine 3816 with proline.
Molecular consequence: missense variant.
Genome position (GRCh38, 1-based): chr14:64,081,542, T>C. VCF-style: chr14-64081542-T-C. GRCh37 (hg19) VCF-style: chr14-64548260-T-C.
Other names: c.11446T>C, p.Ser3816Pro (NM_015180.6); short protein forms S3816P.
Identifiers: ClinVar variation 2088168 (VCV002088168.4), dbSNP rs1275396888, ClinGen allele CA389942810.

ClinVar aggregate classification (germline): Uncertain significance (1 of 4 stars; one submission).

Conditions:
Emery-Dreifuss muscular dystrophy 5, autosomal dominant (EDMD5). Also called: EMERY-DREIFUSS MUSCULAR DYSTROPHY 5. Identifiers: Orphanet 261, MedGen C2751805, MONDO:0013072, OMIM 612999.

Allele frequency attached by ClinVar (database versions not stated): gnomAD exomes below 0.00001; gnomAD 0.00001.
gnomAD v4.1: 5 of 1,614,076 alleles (0.00031%); highest among the groups gnomAD compares: South Asian, 0.0022%; no homozygotes.

Submission:

Labcorp Genetics (formerly Invitae), Labcorp
Classification: Uncertain significance for Emery-Dreifuss muscular dystrophy 5, autosomal dominant. Last evaluated: 2022-08-29. Review status: criteria provided, single submitter. Criteria: Invitae Variant Classification Sherloc (09022015). Collection method: clinical testing. Allele origin: germline.
Comment: In summary, the available evidence is currently insufficient to determine the role of this variant in disease. Therefore, it has been classified as a Variant of Uncertain Significance. Algorithms developed to predict the effect of missense changes on protein structure and function are either unavailable or do not agree on the potential impact of this missense change (SIFT: "Deleterious"; PolyPhen-2: "Probably Damaging"; Align-GVGD: "Class C0"). This variant has not been reported in the literature in individuals affected with SYNE2-related conditions. This variant is present in population databases (no rsID available, gnomAD 0.003%). This sequence change replaces serine, which is neutral and polar, with proline, which is neutral and non-polar, at codon 3816 of the SYNE2 protein (p.Ser3816Pro).